The following is an entry in ClinVar:

NM_001370466.1(NOD2):c.1102T>A (p.Cys368Ser)

Gene: NOD2 (nucleotide binding oligomerization domain containing 2; plus strand). Cytogenetic location: 16q12.1.
Variant type: single nucleotide variant.
Coding change: c.1102T>A on transcript NM_001370466.1 (MANE Select); coding-DNA position 1102, T replaced by A.
Protein change: p.Cys368Ser; replaces cysteine 368 with serine.
Molecular consequence: missense variant. On other transcripts: non-coding transcript variant (1).
Genome position (GRCh38, 1-based): chr16:50,711,094, T>A. VCF-style: chr16-50711094-T-A. GRCh37 (hg19) VCF-style: chr16-50745005-T-A.
Other names: c.1102T>A, p.Cys368Ser (NM_001293557.2); c.1183T>A, p.Cys395Ser (NM_022162.3); c.1183T>A (NM_022162.2); short protein forms C368S, C395S.
Identifiers: ClinVar variation 2059225 (VCV002059225.5), dbSNP rs1423938351, ClinGen allele CA395868399.
Genomic context (GRCh38, chr16:50,711,094, plus strand): 5'-CTGTTAACCTTTGATGGCTTTGACGAGTTCAAGTTCAGGTTCACGGATCGTGAACGCCAC[T>A]GCTCCCCGACCGACCCCACCTCTGTCCAGACCCTGCTCTTCAACCTTCTGCAGGGCAACC-3'
Protein context (NP_001357395.1, residues 358-378): KFRFTDRERH[Cys368Ser]SPTDPTSVQT

ClinVar aggregate classification (germline): Uncertain significance. Review status: criteria provided, multiple submitters, no conflicts (2 of 4 stars). 2 submissions from 2 submitters: Uncertain significance (2). Last evaluated 2025-07-07.

Conditions:
NOD2-related disorder. Also called: NOD2-related condition.
Regional enteritis. Also called: Enteritis, Granulomatous. Identifiers: MedGen C0678202, MeSH D003424.
Blau syndrome (BLAUS). Also called: ARTHROCUTANEOUVEAL GRANULOMATOSIS; GRANULOMATOSIS, FAMILIAL JUVENILE SYSTEMIC; GRANULOMATOSIS, FAMILIAL, BLAU TYPE; GRANULOMATOUS INFLAMMATORY ARTHRITIS, DERMATITIS, AND UVEITIS, FAMILIAL; JABS SYNDROME. Identifiers: Orphanet 90340, MedGen C5201146, MONDO:0008523, OMIM 186580.

gnomAD v4.1: 3 of 1,614,204 alleles (0.00019%); no homozygotes.

Submissions (2):

Labcorp Genetics (formerly Invitae), Labcorp
Classification: Uncertain significance for Regional enteritis; Blau syndrome. Last evaluated: 2025-07-07. Review status: criteria provided, single submitter. Criteria: Invitae Variant Classification Sherloc (09022015). Collection method: clinical testing. Allele origin: germline.
Comment: This sequence change replaces cysteine, which is neutral and slightly polar, with serine, which is neutral and polar, at codon 395 of the NOD2 protein (p.Cys395Ser). This variant is present in population databases (no rsID available, gnomAD 0.01%). This variant has not been reported in the literature in individuals affected with NOD2-related conditions. ClinVar contains an entry for this variant (Variation ID: 2059225). Invitae Evidence Modeling of protein sequence and biophysical properties (such as structural, functional, and spatial information, amino acid conservation, physicochemical variation, residue mobility, and thermodynamic stability) indicates that this missense variant is not expected to disrupt NOD2 protein function with a negative predictive value of 95%. In summary, the available evidence is currently insufficient to determine the role of this variant in disease. Therefore, it has been classified as a Variant of Uncertain Significance.

PreventionGenetics, part of Exact Sciences
Classification: Uncertain significance for NOD2-related condition. Last evaluated: 2025-06-10. Review status: criteria provided, single submitter. Criteria: ACMG Guidelines, 2015. Collection method: clinical testing. Allele origin: germline.
Comment: The NOD2 c.1183T>A variant is predicted to result in the amino acid substitution p.Cys395Ser. To our knowledge, this variant has not been reported in the literature. This variant is reported in 0.0099% of alleles in individuals of Ashkenazi Jewish descent in gnomAD. At this time, the clinical significance of this variant is uncertain due to the absence of conclusive functional and genetic evidence.